The following is an entry in ClinVar:

NM_024675.4(PALB2):c.1383T>A (p.Ser461Arg)

Gene: PALB2 (partner and localizer of BRCA2; minus strand). Cytogenetic location: 16p12.2.
Variant type: single nucleotide variant.
Coding change: c.1383T>A on transcript NM_024675.4 (MANE Select); coding-DNA position 1383, T replaced by A.
Protein change: p.Ser461Arg; replaces serine 461 with arginine.
Molecular consequence: missense variant.
Genome position (GRCh38, 1-based): chr16:23,635,163, A>T on the plus strand (T>A on the coding strand, the complement: PALB2 is on the minus strand). VCF-style: chr16-23635163-A-T. GRCh37 (hg19) VCF-style: chr16-23646484-A-T.
Other names: short protein forms S461R.
Identifiers: ClinVar variation 410105 (VCV000410105.28), dbSNP rs768482110, ClinGen allele CA7963711.

ClinVar aggregate classification (germline): Conflicting classifications of pathogenicity. Review status: criteria provided, conflicting classifications (1 of 4 stars). 8 submissions from 8 submitters: Uncertain significance (7); Likely benign (1). Last evaluated 2025-09-02.

Conditions:
Hereditary cancer-predisposing syndrome. Also called: Hereditary neoplastic syndrome; Neoplastic Syndromes, Hereditary; Tumor predisposition; Hereditary Cancer Syndrome. Identifiers: Orphanet 140162, MedGen C0027672, MeSH D009386, MONDO:0015356.
Familial cancer of breast. Also called: Hereditary breast cancer; hereditary breast carcinoma; BREAST CANCER, FAMILIAL. Identifiers: Orphanet 227535, MedGen C0346153, MONDO:0016419, OMIM 114480. Disease mechanism: loss of function.
Pancreatic cancer, susceptibility to, 3. Identifiers: Orphanet 1333, MedGen C3150547, MONDO:0013236, OMIM 613348.
Fanconi anemia complementation group N. Also called: PALB2-Related Fanconi Anemia. Identifiers: Orphanet 84, MedGen C1835817, MONDO:0012565, OMIM 610832. Disease mechanism: loss of function.

Allele frequency attached by ClinVar (database versions not stated): TOPMed below 0.00001; ExAC 0.00001; gnomAD 0.00001; gnomAD exomes 0.00001 and 0.00002.
gnomAD v4.1: 5 of 1,614,026 alleles (0.00031%); highest among the groups gnomAD compares: Admixed American, 0.0083%; no homozygotes.

Submissions (8):

Labcorp Genetics (formerly Invitae), Labcorp
Classification: Uncertain significance for Familial cancer of breast. Last evaluated: 2025-09-02. Review status: criteria provided, single submitter. Criteria: Invitae Variant Classification Sherloc (09022015). Collection method: clinical testing. Allele origin: germline.
Comment: This sequence change replaces serine, which is neutral and polar, with arginine, which is basic and polar, at codon 461 of the PALB2 protein (p.Ser461Arg). This variant is present in population databases (rs768482110, gnomAD 0.01%). This missense change has been observed in individual(s) with breast cancer (PMID: 26689913). ClinVar contains an entry for this variant (Variation ID: 410105). Invitae Evidence Modeling of protein sequence and biophysical properties (such as structural, functional, and spatial information, amino acid conservation, physicochemical variation, residue mobility, and thermodynamic stability) indicates that this missense variant is not expected to disrupt PALB2 protein function with a negative predictive value of 80%. In summary, the available evidence is currently insufficient to determine the role of this variant in disease. Therefore, it has been classified as a Variant of Uncertain Significance.

Ambry Genetics
Classification: Likely benign for Hereditary cancer-predisposing syndrome. Last evaluated: 2025-04-07. Review status: criteria provided, single submitter. Criteria: Ambry Variant Classification Scheme 2023. Collection method: clinical testing. Allele origin: germline.

Color Diagnostics, LLC DBA Color Health
Classification: Uncertain significance for Hereditary cancer-predisposing syndrome. Last evaluated: 2024-07-29. Review status: criteria provided, single submitter. Criteria: ACMG Guidelines, 2015. Collection method: clinical testing. Allele origin: germline.
Comment: This missense variant replaces serine with arginine at codon 461 of the PALB2 protein. Computational prediction suggests that this variant may not impact protein structure and function. To our knowledge, functional studies have not been reported for this variant. This variant has been reported in an individual affected with breast cancer (PMID: 26689913). This variant has also been identified in 5/282308 chromosomes in the general population by the Genome Aggregation Database (gnomAD). The available evidence is insufficient to determine the role of this variant in disease conclusively. Therefore, this variant is classified as a Variant of Uncertain Significance.

Baylor Genetics
Classification: Uncertain significance for Familial cancer of breast. Last evaluated: 2023-12-26. Review status: criteria provided, single submitter. Criteria: ACMG Guidelines, 2015. Collection method: clinical testing. Allele origin: unknown.

Fulgent Genetics
Classification: Uncertain significance for Familial cancer of breast; Fanconi anemia complementation group N; Pancreatic cancer, susceptibility to, 3. Last evaluated: 2022-05-06. Review status: criteria provided, single submitter. Criteria: ACMG Guidelines, 2015. Collection method: clinical testing. Allele origin: unknown.

Sema4
Classification: Uncertain significance for Hereditary cancer-predisposing syndrome. Last evaluated: 2021-04-12. Review status: criteria provided, single submitter. Criteria: Sema4 Curation Guidelines. Collection method: curation. Allele origin: germline.
Comment: The PALB2 c.1383T>A (p.S461R) has been reported in heterozygosity in at least 1 individual with breast cancer (PMID: 26689913). It was observed in 4/35424 chromosomes of the Latino subpopulation in the large and broad cohorts of the Genome Aggregation Database (PMID: 32461654). The variant has been reported in ClinVar (Variation ID: 410105). In silico tools suggest the impact of the variant on protein function is benign, though these predictions have not been confirmed by functional studies. The evidence is insufficient to meet ACMG/AMP criteria for classifying the variant as benign or pathogenic. Thus, the clinical significance of this variant is currently uncertain.

Women's Health and Genetics/Laboratory Corporation of America, LabCorp
Classification: Uncertain significance. Last evaluated: 2017-10-12. Review status: criteria provided, single submitter. Criteria: LabCorp Variant Classification Summary - May 2015. Collection method: clinical testing. Allele origin: germline.
Comment: Variant summary: The PALB2 c.1383T>A (p.Ser461Arg) variant involves the alteration of a non-conserved nucleotide. 3/4 in silico tools predict a benign outcome for this variant (SNPsandGO not captured due to low reliability index), however these predictions were not evaluated for functional impact by in vivo/vitro studies. This variant was found in 5/276698 control chromosomes, predominantly observed in the Latino subpopulation at a frequency of 0.0145% (5/34408). This frequency is similar to the estimated maximal expected allele frequency of a pathogenic PALB2 variant (0.01563%), suggesting this is likely a benign polymorphism found primarily in the populations of Latino origin. The variant of interest has been reported in affected individual(s) (Lu 2015), however without evidence for causality (i.e. lack of family history information and co-occurrence data). In addition, one clinical diagnostic laboratory classified this variant as uncertain significance. Because of the absence of clinical information and the lack of functional studies, the variant is classified as a variant of uncertain significance (VUS) until additional information becomes available.

PreventionGenetics, part of Exact Sciences
Classification: Uncertain significance. Last evaluated: 2017-01-10. Review status: criteria provided, single submitter. Criteria: ACMG Guidelines, 2015. Collection method: clinical testing. Allele origin: germline.

Literature cited by the submitters: PubMed 26689913 (cited by 5 submitters).